The following is an entry in ClinVar:

ClinVar aggregate classification (germline): Uncertain significance (1 of 4 stars; one submission).

Submission:

GeneDx
Classification: Uncertain significance. Last evaluated: 2026-06-24. Review status: criteria provided, single submitter. Criteria: GeneDx Variant Classification Process June 2021. Collection method: clinical testing. Allele origin: germline.
Comment: Frameshift variant predicted to result in abnormal protein length as the last 80 amino acid(s) are replaced with 10 different amino acid(s) with an unclear effect on protein function; Not observed at significant frequency in large population cohorts (gnomAD); Has not been previously published as pathogenic or benign to our knowledge

NM_001379110.1(SLC9A6):c.1799del (p.Asp600fs)

Gene: SLC9A6 (solute carrier family 9 member A6; plus strand). Cytogenetic location: Xq26.3.
Variant type: Deletion.
Coding change: c.1799del on transcript NM_001379110.1 (MANE Select); coding-DNA position 1799, one base deleted (A; older notation c.1799delA).
Protein change: p.Asp600fs; shifts the reading frame from aspartic acid 600.
Molecular consequence: frameshift variant.
Genome position (GRCh38, 1-based): chrX:136,044,483, A deleted. VCF-style (leftmost placement, unchanged base first): chrX-136044482-GA-G. GRCh37 (hg19) VCF-style: chrX-135126641-GA-G.
Other names: c.1865del, p.Asp622fs (NM_001042537.2); c.1709del, p.Asp570fs (NM_001177651.2, NM_001400909.1, NM_001400910.1 and 2 more transcripts); c.1613del, p.Asp538fs (NM_001330652.2, NM_001400913.1); c.1769del, p.Asp590fs (NM_006359.3); short protein forms D538fs, D570fs, D590fs, D600fs, D622fs.
Identifiers: ClinVar variation 3900315 (VCV003900315.2).